The following is an entry in ClinVar:

NM_021120.4(DLG3):c.448G>A (p.Asp150Asn)

Gene: DLG3 (discs large MAGUK scaffold protein 3; plus strand). Cytogenetic location: Xq13.1.
Variant type: single nucleotide variant.
Coding change: c.448G>A on transcript NM_021120.4 (MANE Select); coding-DNA position 448, G replaced by A.
Protein change: p.Asp150Asn; replaces aspartic acid 150 with asparagine.
Molecular consequence: missense variant.
Genome position (GRCh38, 1-based): chrX:70,449,398, G>A. VCF-style: chrX-70449398-G-A. GRCh37 (hg19) VCF-style: chrX-69669248-G-A.
Other names: short protein forms D150N.
Identifiers: ClinVar variation 1710886 (VCV001710886.2), dbSNP rs1312434272, ClinGen allele CA413491670.
Genomic context (GRCh38, chrX:70,449,398, plus strand): 5'-CCTTTCCACCCACTTCTGCAGGGCAACTCTGGCCTGGGCTTCAGTATCGCAGGTGGCATC[G>A]ACAATCCCCATGTCCCTGATGACCCTGGCATCTTTATTACCAAGATTATCCCTGGTGGAG-3'
Protein context (NP_066943.2, residues 140-160): GLGFSIAGGI[Asp150Asn]NPHVPDDPGI

ClinVar aggregate classification (germline): Uncertain significance (1 of 4 stars; one submission).

Allele frequency attached by ClinVar (database versions not stated): gnomAD exomes below 0.00001.
gnomAD v4.1: 4 of 1,211,624 alleles (0.00033%); highest among the groups gnomAD compares: Non-Finnish European, 0.00045%; no homozygotes.

Submission:

GeneDx
Classification: Uncertain significance. Last evaluated: 2022-10-12. Review status: criteria provided, single submitter. Criteria: GeneDx Variant Classification Process June 2021. Collection method: clinical testing. Allele origin: germline. Affected: yes.
Comment: Not observed at significant frequency in large population cohorts (gnomAD); In silico analysis supports that this missense variant has a deleterious effect on protein structure/function; Has not been previously published as pathogenic or benign to our knowledge